The following is an entry in ClinVar:

NM_001256317.3(TMPRSS3):c.391G>A (p.Asp131Asn)

Gene: TMPRSS3 (transmembrane serine protease 3; minus strand). Cytogenetic location: 21q22.3.
Variant type: single nucleotide variant.
Coding change: c.391G>A on transcript NM_001256317.3 (MANE Select); coding-DNA position 391, G replaced by A.
Protein change: p.Asp131Asn; replaces aspartic acid 131 with asparagine.
Molecular consequence: missense variant.
Genome position (GRCh38, 1-based): chr21:42,388,458, C>T on the plus strand (G>A on the coding strand, the complement: TMPRSS3 is on the minus strand). VCF-style: chr21-42388458-C-T. GRCh37 (hg19) VCF-style: chr21-43808567-C-T.
Other names: c.391G>A, p.Asp131Asn (NM_024022.4, NM_032405.2); c.10G>A, p.Asp4Asn (NM_032404.3); short protein forms D131N, D4N.
Identifiers: ClinVar variation 1699532 (VCV001699532.7), dbSNP rs144556872, ClinGen allele CA10042644.

ClinVar aggregate classification (germline): Uncertain significance. Review status: criteria provided, multiple submitters, no conflicts (2 of 4 stars). 5 submissions from 5 submitters: Uncertain significance (5). Last evaluated 2025-06-16.

Conditions:
Inborn genetic diseases. Identifiers: MedGen C0950123, MeSH D030342.

Allele frequency attached by ClinVar (database versions not stated): TOPMed 0.00006; gnomAD 0.00009 and 0.00010; ESP Exome Variant Server 0.00015.

Submissions (5):

Women's Health and Genetics/Laboratory Corporation of America, LabCorp
Classification: Uncertain significance. Last evaluated: 2025-06-16. Review status: criteria provided, single submitter. Criteria: LabCorp Variant Classification Summary - May 2015. Collection method: clinical testing. Allele origin: germline.
Comment: Variant summary: TMPRSS3 c.391G>A (p.Asp131Asn) results in a conservative amino acid change located in the SRCR domain (IPR001190) of the encoded protein sequence. Algorithms developed to predict the effect of missense changes on protein structure and function are either unavailable or do not agree on the potential impact of this missense change. The variant allele was found at a frequency of 0.00017 in 251470 control chromosomes (gnomAD). This frequency is not significantly higher than estimated for a pathogenic variant in TMPRSS3 causing Deafness, Autosomal Recessive 8, allowing no conclusion about variant significance. c.391G>A has been observed in individuals affected with nonsyndromic hearing loss (Rim_2022, Colbert_2024, Park_2025). These data indicate that the variant may be associated with disease. To our knowledge, no experimental evidence demonstrating an impact on protein function has been reported. The following publications have been ascertained in the context of this evaluation (PMID: 34519870, 38691166, 39373914). ClinVar contains an entry for this variant (Variation ID: 1699532). Based on the evidence outlined above, the variant was classified as VUS-possibly pathogenic.

Blueprint Genetics
Classification: Uncertain significance. Last evaluated: 2024-07-08. Review status: criteria provided, single submitter. Criteria: ACMG Guidelines, 2015. Collection method: clinical testing. Allele origin: germline.

Labcorp Genetics (formerly Invitae), Labcorp
Classification: Uncertain significance. Last evaluated: 2024-01-22. Review status: criteria provided, single submitter. Criteria: Invitae Variant Classification Sherloc (09022015). Collection method: clinical testing. Allele origin: germline.
Comment: This sequence change replaces aspartic acid, which is acidic and polar, with asparagine, which is neutral and polar, at codon 131 of the TMPRSS3 protein (p.Asp131Asn). This variant is present in population databases (rs144556872, gnomAD 0.04%). This variant has not been reported in the literature in individuals affected with TMPRSS3-related conditions. ClinVar contains an entry for this variant (Variation ID: 1699532). Advanced modeling of protein sequence and biophysical properties (such as structural, functional, and spatial information, amino acid conservation, physicochemical variation, residue mobility, and thermodynamic stability) has been performed at Invitae for this missense variant, however the output from this modeling did not meet the statistical confidence thresholds required to predict the impact of this variant on TMPRSS3 protein function. In summary, the available evidence is currently insufficient to determine the role of this variant in disease. Therefore, it has been classified as a Variant of Uncertain Significance.

Ambry Genetics
Classification: Uncertain significance for Inborn genetic diseases. Last evaluated: 2023-02-16. Review status: criteria provided, single submitter. Criteria: Ambry Variant Classification Scheme 2023. Collection method: clinical testing. Allele origin: germline.

GeneDx
Classification: Uncertain significance. Last evaluated: 2022-07-14. Review status: criteria provided, single submitter. Criteria: GeneDx Variant Classification Process June 2021. Collection method: clinical testing. Allele origin: germline. Affected: yes.
Comment: In silico analysis supports that this missense variant has a deleterious effect on protein structure/function; Has not been previously published as pathogenic or benign to our knowledge

Literature cited by the submitters: PubMed 34519870 (cited by Women's Health and Genetics/Laboratory Corporation of America, LabCorp); PubMed 38691166 (cited by Women's Health and Genetics/Laboratory Corporation of America, LabCorp); PubMed 39373914 (cited by Women's Health and Genetics/Laboratory Corporation of America, LabCorp).